The following is an entry in ClinVar:

ClinVar aggregate classification (germline): Uncertain significance. Review status: criteria provided, multiple submitters, no conflicts (2 of 4 stars). 3 submissions from 3 submitters: Uncertain significance (3). Last evaluated 2024-02-28.

Conditions:
Usher syndrome type 2C. Also called: Usher syndrome, type 2B; USHER SYNDROME, TYPE IIC. Identifiers: Orphanet 231178, Orphanet 886, MedGen C2931213, MONDO:0011558, OMIM 605472.
Febrile seizures, familial, 4 (FEB4). Also called: CONVULSIONS, FAMILIAL FEBRILE, 4. Identifiers: MedGen C1858493, MONDO:0011443, OMIM 604352.

Allele frequency attached by ClinVar (database versions not stated): gnomAD exomes 0.00003 and 0.00007; gnomAD 0.00005; ExAC 0.00012; TOPMed 0.00013.
gnomAD v4.1: 96 of 1,422,586 alleles (0.0067%); highest among the groups gnomAD compares: Non-Finnish European, 0.0085%; no homozygotes.

Submissions (3):

Blueprint Genetics
Classification: Uncertain significance. Last evaluated: 2024-02-28. Review status: criteria provided, single submitter. Criteria: ACMG Guidelines, 2015. Collection method: clinical testing. Allele origin: germline.

Labcorp Genetics (formerly Invitae), Labcorp
Classification: Uncertain significance. Last evaluated: 2022-07-20. Review status: criteria provided, single submitter. Criteria: Invitae Variant Classification Sherloc (09022015). Collection method: clinical testing. Allele origin: germline.
Comment: This sequence change replaces proline, which is neutral and non-polar, with leucine, which is neutral and non-polar, at codon 121 of the ADGRV1 protein (p.Pro121Leu). This variant is present in population databases (rs200730114, gnomAD 0.005%). This variant has not been reported in the literature in individuals affected with ADGRV1-related conditions. ClinVar contains an entry for this variant (Variation ID: 1020641). Algorithms developed to predict the effect of missense changes on protein structure and function are either unavailable or do not agree on the potential impact of this missense change (SIFT: "Deleterious"; PolyPhen-2: "Benign"; Align-GVGD: "Class C0"). In summary, the available evidence is currently insufficient to determine the role of this variant in disease. Therefore, it has been classified as a Variant of Uncertain Significance.

Fulgent Genetics
Classification: Uncertain significance for Febrile seizures, familial, 4; Usher syndrome type 2C. Last evaluated: 2021-11-09. Review status: criteria provided, single submitter. Criteria: ACMG Guidelines, 2015. Collection method: clinical testing. Allele origin: unknown.

NM_032119.4(ADGRV1):c.362C>T (p.Pro121Leu)

Gene: ADGRV1 (adhesion G protein-coupled receptor V1; plus strand). Cytogenetic location: 5q14.3.
Variant type: single nucleotide variant.
Coding change: c.362C>T on transcript NM_032119.4 (MANE Select); coding-DNA position 362, C replaced by T.
Protein change: p.Pro121Leu; replaces proline 121 with leucine.
Molecular consequence: missense variant. On other transcripts: non-coding transcript variant (1).
Genome position (GRCh38, 1-based): chr5:90,619,090, C>T. VCF-style: chr5-90619090-C-T. GRCh37 (hg19) VCF-style: chr5-89914907-C-T.
Other names: short protein forms P121L.
Identifiers: ClinVar variation 1020641 (VCV001020641.6), dbSNP rs200730114, ClinGen allele CA3338456.